The following is an entry in ClinVar:

ClinVar aggregate classification (germline): Likely pathogenic (1 of 4 stars; one submission).

Conditions:
Wolfram syndrome 1 (WFS1). Identifiers: Orphanet 3463, MedGen C4551693, MONDO:0009101, OMIM 222300.

Submission:

Juno Genomics, Hangzhou Juno Genomics, Inc
Classification: Likely pathogenic for Wolfram syndrome 1. Review status: criteria provided, single submitter. Criteria: ACMG Guidelines, 2015. Collection method: clinical testing. Allele origin: germline.
Comment: Null variant in a gene where loss of function (LOF) is a known mechanism of disease.;Absent from controls (or at extremely low frequency if recessive) in Genome Aggregation Database.

NM_006005.3(WFS1):c.295del (p.Asp99fs)

Gene: WFS1 (wolframin ER transmembrane glycoprotein; plus strand). Cytogenetic location: 4p16.1.
Variant type: Deletion.
Coding change: c.295del on transcript NM_006005.3 (MANE Select); coding-DNA position 295, one base deleted (G; older notation c.295delG).
Protein change: p.Asp99fs; shifts the reading frame from aspartic acid 99.
Molecular consequence: frameshift variant.
Genome position (GRCh38, 1-based): chr4:6,287,155, G deleted; the last of 4 consecutive G bases (chr4:6,287,152-6,287,155); deleting any one gives the same sequence. VCF-style (leftmost placement, unchanged base first): chr4-6287151-CG-C. GRCh37 (hg19) VCF-style: chr4-6288878-CG-C.
Other names: c.295del, p.Asp99fs (NM_001145853.1); short protein forms D99fs.
Identifiers: ClinVar variation 5006788 (VCV005006788.2).
Genomic context (GRCh38, chr4:6,287,151, plus strand): 5'-AGGGCCTACAAAGGGAGACATGGAAATCCCCTTTGAAGAAGTCCTGGAGAGGGCCAAGGC[CG>C]GGGACCCCAAGGCACAGACTGAGGTGAGGACTGCGGTGCCGGCAGGGACTTCGGGACGCG-3'